The following is an entry in ClinVar:

NM_024675.4(PALB2):c.3512T>C (p.Leu1171Ser)

Gene: PALB2 (partner and localizer of BRCA2; minus strand). Cytogenetic location: 16p12.2.
Variant type: single nucleotide variant.
Coding change: c.3512T>C on transcript NM_024675.4 (MANE Select); coding-DNA position 3512, T replaced by C.
Protein change: p.Leu1171Ser; replaces leucine 1171 with serine.
Molecular consequence: missense variant.
Genome position (GRCh38, 1-based): chr16:23,603,508, A>G on the plus strand (T>C on the coding strand, the complement: PALB2 is on the minus strand). VCF-style: chr16-23603508-A-G. GRCh37 (hg19) VCF-style: chr16-23614829-A-G.
Other names: c.3512T>C (NM_024675.3); short protein forms L1171S.
Identifiers: ClinVar variation 1062367 (VCV001062367.11), dbSNP rs2142251737, ClinGen allele CA395137862.

ClinVar aggregate classification (germline): Uncertain significance. Review status: criteria provided, multiple submitters, no conflicts (2 of 4 stars). 2 submissions from 2 submitters: Uncertain significance (2). Last evaluated 2024-08-05.

Conditions:
Hereditary cancer-predisposing syndrome. Also called: Hereditary Cancer Syndrome; Hereditary neoplastic syndrome; Neoplastic Syndromes, Hereditary; Tumor predisposition. Identifiers: Orphanet 140162, MedGen C0027672, MeSH D009386, MONDO:0015356.
Familial cancer of breast. Also called: hereditary breast carcinoma; Hereditary breast cancer; BREAST CANCER, FAMILIAL. Identifiers: Orphanet 227535, MedGen C0346153, MONDO:0016419, OMIM 114480. Disease mechanism: loss of function.

Submissions (2):

Ambry Genetics
Classification: Uncertain significance for Hereditary cancer-predisposing syndrome. Last evaluated: 2024-08-05. Review status: criteria provided, single submitter. Criteria: Ambry Variant Classification Scheme 2023. Collection method: clinical testing. Allele origin: germline.
Comment: The p.L1171S variant (also known as c.3512T>C), located in coding exon 13 of the PALB2 gene, results from a T to C substitution at nucleotide position 3512. The leucine at codon 1171 is replaced by serine, an amino acid with dissimilar properties. This amino acid position is highly conserved in available vertebrate species. In addition, the in silico prediction for this alteration is inconclusive. Based on the available evidence, the clinical significance of this variant remains unclear.

Labcorp Genetics (formerly Invitae), Labcorp
Classification: Uncertain significance for Familial cancer of breast. Last evaluated: 2022-01-08. Review status: criteria provided, single submitter. Criteria: Invitae Variant Classification Sherloc (09022015). Collection method: clinical testing. Allele origin: germline.
Comment: In summary, the available evidence is currently insufficient to determine the role of this variant in disease. Therefore, it has been classified as a Variant of Uncertain Significance. Algorithms developed to predict the effect of missense changes on protein structure and function (SIFT, PolyPhen-2, Align-GVGD) all suggest that this variant is likely to be disruptive. ClinVar contains an entry for this variant (Variation ID: 1062367). This variant has not been reported in the literature in individuals affected with PALB2-related conditions. This variant is not present in population databases (gnomAD no frequency). This sequence change replaces leucine, which is neutral and non-polar, with serine, which is neutral and polar, at codon 1171 of the PALB2 protein (p.Leu1171Ser).